The following is an entry in ClinVar:

ClinVar aggregate classification (germline): Uncertain significance. Review status: criteria provided, multiple submitters, no conflicts (2 of 4 stars). 2 submissions from 2 submitters: Uncertain significance (2). Last evaluated 2023-08-01.

Conditions:
Cardiovascular phenotype. Identifiers: MedGen CN230736.
Long QT syndrome (LQTS). Identifiers: MedGen C0023976, MeSH D008133, MONDO:0002442. Disease mechanism: loss of function. Inheritance: Various modes of inheritance.

Allele frequency attached by ClinVar (database versions not stated): gnomAD exomes below 0.00001; ExAC 0.00001; TOPMed 0.00001; gnomAD 0.00002; ESP Exome Variant Server 0.00008.
gnomAD v4.1: 4 of 1,613,858 alleles (0.00025%); highest among the groups gnomAD compares: Non-Finnish European, 0.00034%; no homozygotes.

Submissions (2):

Ambry Genetics
Classification: Uncertain significance for Cardiovascular phenotype. Last evaluated: 2023-08-01. Review status: criteria provided, single submitter. Criteria: Ambry Variant Classification Scheme 2023. Collection method: clinical testing. Allele origin: germline.
Comment: The p.E2362K variant (also known as c.7084G>A), located in coding exon 31 of the AKAP9 gene, results from a G to A substitution at nucleotide position 7084. The glutamic acid at codon 2362 is replaced by lysine, an amino acid with similar properties. This amino acid position is highly conserved in available vertebrate species. In addition, this alteration is predicted to be tolerated by in silico analysis. The evidence for this gene-disease relationship is limited; therefore, the clinical significance of this alteration is unclear.

Labcorp Genetics (formerly Invitae), Labcorp
Classification: Uncertain significance for Long QT syndrome. Last evaluated: 2022-09-08. Review status: criteria provided, single submitter. Criteria: Invitae Variant Classification Sherloc (09022015). Collection method: clinical testing. Allele origin: germline.
Comment: Algorithms developed to predict the effect of missense changes on protein structure and function are either unavailable or do not agree on the potential impact of this missense change (SIFT: "Deleterious"; PolyPhen-2: "Probably Damaging"; Align-GVGD: "Class C0"). In summary, the available evidence is currently insufficient to determine the role of this variant in disease. Therefore, it has been classified as a Variant of Uncertain Significance. ClinVar contains an entry for this variant (Variation ID: 1421983). This variant has not been reported in the literature in individuals affected with AKAP9-related conditions. This variant is present in population databases (rs374724127, gnomAD 0.0009%). This sequence change replaces glutamic acid, which is acidic and polar, with lysine, which is basic and polar, at codon 2362 of the AKAP9 protein (p.Glu2362Lys).

NM_005751.5(AKAP9):c.7084G>A (p.Glu2362Lys)

Gene: AKAP9 (A-kinase anchoring protein 9; plus strand). Cytogenetic location: 7q21.2.
Variant type: single nucleotide variant.
Coding change: c.7084G>A on transcript NM_005751.5 (MANE Select); coding-DNA position 7084, G replaced by A.
Protein change: p.Glu2362Lys; replaces glutamic acid 2362 with lysine.
Molecular consequence: missense variant.
Genome position (GRCh38, 1-based): chr7:92,079,217, G>A. VCF-style: chr7-92079217-G-A. GRCh37 (hg19) VCF-style: chr7-91708531-G-A.
Other names: c.1729G>A, p.Glu577Lys (NM_001379277.1); c.7060G>A, p.Glu2354Lys (NM_147185.3); c.7084G>A (NM_005751.4); short protein forms E2362K, E2354K, E577K.
Identifiers: ClinVar variation 1421983 (VCV001421983.8), dbSNP rs374724127, ClinGen allele CA4337226.